The following is an entry in ClinVar:

NM_006904.7(PRKDC):c.2919G>A (p.Ala973=)

Gene: PRKDC (protein kinase, DNA-activated, catalytic subunit; minus strand). Cytogenetic location: 8q11.21.
Variant type: single nucleotide variant.
Coding change: c.2919G>A on transcript NM_006904.7 (MANE Select); coding-DNA position 2919, G replaced by A.
Protein change: p.Ala973=; no amino-acid change (alanine 973 retained).
Molecular consequence: synonymous variant.
Genome position (GRCh38, 1-based): chr8:47,912,425, C>T on the plus strand (G>A on the coding strand, the complement: PRKDC is on the minus strand). VCF-style: chr8-47912425-C-T. GRCh37 (hg19) VCF-style: chr8-48824985-C-T.
Other names: c.2919G>A, p.Ala973= (NM_001081640.2).
Identifiers: ClinVar variation 1543506 (VCV001543506.13), dbSNP rs372912665, ClinGen allele CA4741329.

ClinVar aggregate classification (germline): Likely benign. Review status: criteria provided, multiple submitters, no conflicts (2 of 4 stars). 4 submissions from 4 submitters: Likely benign (3). 1 of the submissions does not count toward it. Last evaluated 2026-01-22.

Conditions:
Severe combined immunodeficiency due to DNA-PKcs deficiency. Also called: IMMUNODEFICIENCY 26 WITH NEUROLOGIC ABNORMALITIES; Immunodeficiency 26 with or without neurologic abnormalities. Identifiers: Orphanet 317425, MedGen C4014833, MONDO:0014423, OMIM 615966.
PRKDC-related disorder. Also called: PRKDC-related condition.

Allele frequency attached by ClinVar (database versions not stated): TOPMed 0.00015; 1000 Genomes Project 0.00020; 1000 Genomes Project 30x 0.00031.
gnomAD v4.1: 113 of 1,590,842 alleles (0.0071%); highest among the groups gnomAD compares: East Asian, 0.05%; no homozygotes.

Submissions (4):

Labcorp Genetics (formerly Invitae), Labcorp
Classification: Likely benign for Severe combined immunodeficiency due to DNA-PKcs deficiency. Last evaluated: 2026-01-22. Review status: criteria provided, single submitter. Criteria: Invitae Variant Classification Sherloc (09022015). Collection method: clinical testing. Allele origin: germline.

Blueprint Genetics
Classification: Likely benign. Last evaluated: 2024-11-20. Review status: criteria provided, single submitter. Criteria: ACMG Guidelines, 2015. Collection method: clinical testing. Allele origin: germline.

Ambry Genetics
Classification: Likely benign. Last evaluated: 2022-02-12. Review status: criteria provided, single submitter. Criteria: Ambry Variant Classification Scheme 2023. Collection method: clinical testing. Allele origin: germline.

PreventionGenetics, part of Exact Sciences
Classification: Likely benign for PRKDC-related condition. Last evaluated: 2023-06-02. Review status: no assertion criteria provided. Collection method: clinical testing. Allele origin: germline. Not counted in ClinVar's aggregate classification.
Comment: This variant is classified as likely benign based on ACMG/AMP sequence variant interpretation guidelines (Richards et al. 2015 PMID: 25741868, with internal and published modifications).